The following is an entry in ClinVar:

NM_000271.5(NPC1):c.217C>T (p.Leu73Phe)

Gene: NPC1 (NPC intracellular cholesterol transporter 1; minus strand). Cytogenetic location: 18q11.2.
Variant type: single nucleotide variant.
Coding change: c.217C>T on transcript NM_000271.5 (MANE Select); coding-DNA position 217, C replaced by T.
Protein change: p.Leu73Phe; replaces leucine 73 with phenylalanine.
Molecular consequence: missense variant.
Genome position (GRCh38, 1-based): chr18:23,572,144, G>A on the plus strand (C>T on the coding strand, the complement: NPC1 is on the minus strand). VCF-style: chr18-23572144-G-A. GRCh37 (hg19) VCF-style: chr18-21152108-G-A.
Other names: short protein forms L73F.
Identifiers: ClinVar variation 2095333 (VCV002095333.4), dbSNP rs2145544726, ClinGen allele CA401786485.

ClinVar aggregate classification (germline): Uncertain significance (1 of 4 stars; one submission).

Conditions:
Niemann-Pick disease, type C1. Also called: NIEMANN-PICK DISEASE, VARIANT TYPE C1; NEUROVISCERAL STORAGE DISEASE WITH VERTICAL SUPRANUCLEAR OPHTHALMOPLEGIA; NIEMANN-PICK DISEASE WITH CHOLESTEROL ESTERIFICATION BLOCK; NIEMANN-PICK DISEASE WITHOUT SPHINGOMYELINASE DEFICIENCY; NIEMANN-PICK DISEASE, CHRONIC NEURONOPATHIC FORM. Identifiers: Orphanet 646, MedGen C3179455, MONDO:0009757, OMIM 257220.

Submission:

Labcorp Genetics (formerly Invitae), Labcorp
Classification: Uncertain significance for Niemann-Pick disease, type C1. Last evaluated: 2022-02-09. Review status: criteria provided, single submitter. Criteria: Invitae Variant Classification Sherloc (09022015). Collection method: clinical testing. Allele origin: germline.
Comment: In summary, the available evidence is currently insufficient to determine the role of this variant in disease. Therefore, it has been classified as a Variant of Uncertain Significance. Advanced modeling of protein sequence and biophysical properties (such as structural, functional, and spatial information, amino acid conservation, physicochemical variation, residue mobility, and thermodynamic stability) performed at Invitae indicates that this missense variant is not expected to disrupt NPC1 protein function. This variant has not been reported in the literature in individuals affected with NPC1-related conditions. This variant is not present in population databases (gnomAD no frequency). This sequence change replaces leucine, which is neutral and non-polar, with phenylalanine, which is neutral and non-polar, at codon 73 of the NPC1 protein (p.Leu73Phe).